The following is an entry in ClinVar:

NM_000414.4(HSD17B4):c.1655A>T (p.Asp552Val)

Gene: HSD17B4 (hydroxysteroid 17-beta dehydrogenase 4; plus strand). Cytogenetic location: 5q23.1.
Variant type: single nucleotide variant.
Coding change: c.1655A>T on transcript NM_000414.4 (MANE Select); coding-DNA position 1655, A replaced by T.
Protein change: p.Asp552Val; replaces aspartic acid 552 with valine.
Molecular consequence: missense variant. On other transcripts: non-coding transcript variant (2).
Genome position (GRCh38, 1-based): chr5:119,525,998, A>T. VCF-style: chr5-119525998-A-T. GRCh37 (hg19) VCF-style: chr5-118861693-A-T.
Other names: c.1730A>T, p.Asp577Val (NM_001199291.3); c.1601A>T, p.Asp534Val (NM_001199292.2); c.1583A>T, p.Asp528Val (NM_001292027.2, NM_001374498.1); c.1235A>T, p.Asp412Val (NM_001292028.2); c.1646A>T, p.Asp549Val (NM_001374497.1); c.1328A>T, p.Asp443Val (NM_001374499.1); c.1214A>T, p.Asp405Val (NM_001374500.1); c.1244A>T, p.Asp415Val (NM_001374501.1, NM_001374502.1, NM_001374503.1); short protein forms D415V, D549V, D405V, D412V, D552V, D577V, D528V, D534V.
Identifiers: ClinVar variation 1493180 (VCV001493180.8), dbSNP rs1753560298, ClinGen allele CA360869376.

ClinVar aggregate classification (germline): Uncertain significance (1 of 4 stars; one submission).

Conditions:
Bifunctional peroxisomal enzyme deficiency (DBIF). Also called: D-bifunctional protein deficiency; DBP DEFICIENCY; PBFE DEFICIENCY. Identifiers: Orphanet 300, MedGen C0342870, MONDO:0009855, OMIM 261515. Disease mechanism: loss of function.
Perrault syndrome. Also called: Gonadal dysgenesis with auditory dysfunction, autosomal recessive inheritance. Identifiers: Orphanet 2855, MedGen C0685838, MONDO:0017312.

Allele frequency attached by ClinVar (database versions not stated): TOPMed below 0.00001.

Submission:

Labcorp Genetics (formerly Invitae), Labcorp
Classification: Uncertain significance for Perrault syndrome; Bifunctional peroxisomal enzyme deficiency. Last evaluated: 2021-05-03. Review status: criteria provided, single submitter. Criteria: Invitae Variant Classification Sherloc (09022015). Collection method: clinical testing. Allele origin: germline.
Comment: In summary, the available evidence is currently insufficient to determine the role of this variant in disease. Therefore, it has been classified as a Variant of Uncertain Significance. Algorithms developed to predict the effect of missense changes on protein structure and function are either unavailable or do not agree on the potential impact of this missense change (SIFT: "Deleterious"; PolyPhen-2: "Probably Damaging"; Align-GVGD: "Class C0"). This variant has not been reported in the literature in individuals with HSD17B4-related conditions. This variant is not present in population databases (ExAC no frequency). This sequence change replaces aspartic acid with valine at codon 552 of the HSD17B4 protein (p.Asp552Val). The aspartic acid residue is moderately conserved and there is a large physicochemical difference between aspartic acid and valine.